The following is an entry in ClinVar:

NM_000059.4(BRCA2):c.3259A>G (p.Thr1087Ala)

Gene: BRCA2 (BRCA2 DNA repair associated; plus strand). Cytogenetic location: 13q13.1.
Variant type: single nucleotide variant.
Coding change: c.3259A>G on transcript NM_000059.4 (MANE Select); coding-DNA position 3259, A replaced by G.
Protein change: p.Thr1087Ala; replaces threonine 1087 with alanine.
Molecular consequence: missense variant.
Genome position (GRCh38, 1-based): chr13:32,337,614, A>G. VCF-style: chr13-32337614-A-G. GRCh37 (hg19) VCF-style: chr13-32911751-A-G.
Other names: c.3259A>G (NM_000059.3); short protein forms T1087A.
Identifiers: ClinVar variation 1023924 (VCV001023924.11), dbSNP rs775142613, ClinGen allele CA387776007.

ClinVar aggregate classification (germline): Conflicting classifications of pathogenicity. Review status: criteria provided, conflicting classifications (1 of 4 stars). 3 submissions from 3 submitters: Uncertain significance (1); Likely benign (2). Last evaluated 2025-04-06.

Conditions:
Hereditary cancer-predisposing syndrome. Also called: Hereditary Cancer Syndrome; Neoplastic Syndromes, Hereditary; Tumor predisposition; Hereditary neoplastic syndrome. Identifiers: Orphanet 140162, MedGen C0027672, MeSH D009386, MONDO:0015356.
Hereditary breast ovarian cancer syndrome. Also called: Breast and ovarian cancer; Hereditary breast and ovarian cancer syndrome (HBOC); Hereditary breast and ovarian cancer; Hereditary breast and/or ovarian cancer syndrome; BRCA1- and BRCA2-Associated Hereditary Breast and Ovarian Cancer; Hereditary breast and ovarian cancer syndrome. Identifiers: Orphanet 145, MedGen C0677776, MeSH D061325, MONDO:0003582. Disease mechanism: loss of function.

Submissions (3):

Ambry Genetics
Classification: Likely benign for Hereditary cancer-predisposing syndrome. Last evaluated: 2025-04-06. Review status: criteria provided, single submitter. Criteria: Ambry Variant Classification Scheme 2023. Collection method: clinical testing. Allele origin: germline.

University of Washington Department of Laboratory Medicine, University of Washington
Classification: Likely benign for Hereditary cancer-predisposing syndrome. Last evaluated: 2023-03-23. Review status: criteria provided, single submitter. Criteria: Dines et al. (Genet Med. 2020). Collection method: curation. Allele origin: germline.
Comment: Missense variant in a coldspot region where missense variants are very unlikely to be pathogenic (PMID:31911673).

BRCA2 exon 11 coldspot. Reclassification based on statistical prior probability.

Labcorp Genetics (formerly Invitae), Labcorp
Classification: Uncertain significance for Hereditary breast ovarian cancer syndrome. Last evaluated: 2020-06-09. Review status: criteria provided, single submitter. Criteria: Invitae Variant Classification Sherloc (09022015). Collection method: clinical testing. Allele origin: germline.
Comment: In summary, the available evidence is currently insufficient to determine the role of this variant in disease. Therefore, it has been classified as a Variant of Uncertain Significance. Algorithms developed to predict the effect of missense changes on protein structure and function output the following: SIFT: "Tolerated"; PolyPhen-2: "Benign"; Align-GVGD: "Class C0". The alanine amino acid residue is found in multiple mammalian species, suggesting that this missense change does not adversely affect protein function. These predictions have not been confirmed by published functional studies and their clinical significance is uncertain. This variant has not been reported in the literature in individuals with BRCA2-related conditions. This variant is not present in population databases (ExAC no frequency). This sequence change replaces threonine with alanine at codon 1087 of the BRCA2 protein (p.Thr1087Ala). The threonine residue is weakly conserved and there is a small physicochemical difference between threonine and alanine.